The following is an entry in ClinVar:

ClinVar aggregate classification (germline): Conflicting classifications of pathogenicity. Review status: criteria provided, conflicting classifications (1 of 4 stars). 8 submissions from 8 submitters: Pathogenic (2); Likely pathogenic (4); Uncertain significance (2). Last evaluated 2025-11-26.

Conditions:
Adult hypophosphatasia. Identifiers: Orphanet 247676, Orphanet 436, MedGen C0268413, MONDO:1010154, OMIM 146300, MONDO:0007798.
Childhood hypophosphatasia. Identifiers: Orphanet 247667, Orphanet 436, MedGen C0220743, MONDO:1010168, OMIM 241510, MONDO:0009428.
Infantile hypophosphatasia. Identifiers: Orphanet 247651, Orphanet 436, MedGen C0268412, MONDO:1010169, OMIM 241500, MONDO:0009427.
Hypophosphatasia. Also called: Phosphoethanol-aminuria. Identifiers: Orphanet 436, MedGen C0020630, MeSH D007014, MONDO:0018570.
Autosomal recessive ALPL-related disorders.

Allele frequency attached by ClinVar (database versions not stated): gnomAD 0.00001; TOPMed 0.00001; gnomAD exomes 0.00002.
gnomAD v4.1: 28 of 1,613,746 alleles (0.0017%); highest among the groups gnomAD compares: Non-Finnish European, 0.0024%; no homozygotes.

Submissions (8):

Variantyx, Inc.
Classification: Likely pathogenic for Autosomal recessive ALPL-related disorders. Last evaluated: 2025-11-26. Review status: criteria provided, single submitter. Criteria: Variantyx Assertion Criteria 2022. Collection method: clinical testing. Allele origin: germline. Inheritance: Autosomal recessive inheritance.
Comment: This is a nonsynonymous variant in the ALPL gene (OMIM: 171760). Pathogenic variants in this gene have been associated with autosomal recessive ALPL-related disorders. This variant lies within a known hotspot for pathogenic variants or a well-established critical functional domain of the ALPL protein (PMID: 10679946, 10872988, 11438998, 12920074, 25731960, 26783040, 32160374, 11855933, 23093139) (PM1). Multiple computational algorithms predict a deleterious effect for this variant (REVEL score: 0.924) (PP3). This variant has a 0.0024% maximum allele frequency in non-founder control populations (PM2). Based on the current evidence, this variant is classified as likely pathogenic for autosomal recessive ALPL-related disorders.

Genomenon, Inc
Classification: Likely pathogenic for Hypophosphatasia. Last evaluated: 2025-08-29. Review status: criteria provided, single submitter. Criteria: Genomenon Sequence Variant Interpretation Standards. Collection method: curation. Allele origin: germline. Affected: yes.
Comment: ALPL c.350A>G is a missense variant that changes the amino acid at residue 117 from Tyrosine to Cysteine. This variant has been observed in at least one proband affected with hypophosphatasia (PMID:29236161;22397652;32811521;19335222). It is absent or not present at a significant frequency in gnomAD. In silico models agree that this variant is possibly or probably damaging. In conclusion, we classify ALPL p.Tyr117Cys (c.350A>G) as a likely pathogenic variant.

Clinical Genomics Laboratory, Washington University in St. Louis
Classification: Likely pathogenic for Adult hypophosphatasia; Childhood hypophosphatasia. Last evaluated: 2025-07-18. Review status: criteria provided, single submitter. Criteria: ACMG Guidelines, 2015. Collection method: clinical testing. Allele origin: germline. Affected: yes.
Comment: The ALPL c.350A>G (p.Tyr117Cys) variant has been reported in at least three individuals with hypophosphatasia who carried an additional pathogenic variant confirmed in to be in trans (Whyte MP et al., PMID: 19335222; White MP et al., PMID: 22397652). This variant is absent from the general population (gnomAD v2.1.1), indicating it is not a common variant. Computational predictors indicate that the variant is damaging, evidence that correlates with impact to ALPL function. This variant has been reported in the ClinVar database as a germline pathogenic variant by two submitters and a variant of uncertain significance by two submitters. Based on available information and the ACMG/AMP guidelines for variant interpretation (Richards S et al., PMID: 25741868), this variant is classified as likely pathogenic.

Natera, Inc.
Classification: Likely pathogenic for Hypophosphatasia. Last evaluated: 2025-05-08. Review status: criteria provided, single submitter. Criteria: Natera Variant Classification Schema (03/2026). Collection method: clinical testing. Allele origin: germline.
Comment: The c.350A>G variant in ALPL is a missense variant predicted to cause substitution of tyrosine to cysteine at amino acid 117. This variant is rare in the general population with a frequency below the threshold expected for the associated phenotype(s). This variant has been observed in one or more individuals affected with the associated recessive disease, as either homozygous or compound heterozygous with a second variant (PMID: 19335222, 22397652, 22397652). This variant has been observed in affected individual(s) with monoallelic occurrence (heterozygous/hemizygous) (PMID: 29236161). This variant has been identified in one or more affected individual with a phenotype highly consistent with the associated gene (PMID: 19335222). Computational prediction algorithms indicate this variant is likely to affect gene or protein function. Given the available evidence, this variant is classified as Likely Pathogenic.

Labcorp Genetics (formerly Invitae), Labcorp
Classification: Pathogenic. Last evaluated: 2025-04-01. Review status: criteria provided, single submitter. Criteria: Invitae Variant Classification Sherloc (09022015). Collection method: clinical testing. Allele origin: germline.
Comment: This sequence change replaces tyrosine, which is neutral and polar, with cysteine, which is neutral and slightly polar, at codon 117 of the ALPL protein (p.Tyr117Cys). This variant is not present in population databases (gnomAD no frequency). This missense change has been observed in individual(s) with hypophosphatasia (PMID: 19335222, 22397652, 29236161). In at least one individual the data is consistent with being in trans (on the opposite chromosome) from a pathogenic variant. ClinVar contains an entry for this variant (Variation ID: 873825). Invitae Evidence Modeling of protein sequence and biophysical properties (such as structural, functional, and spatial information, amino acid conservation, physicochemical variation, residue mobility, and thermodynamic stability) indicates that this missense variant is expected to disrupt ALPL protein function with a positive predictive value of 95%. For these reasons, this variant has been classified as Pathogenic.

Baylor Genetics
Classification: Pathogenic for Adult hypophosphatasia. Last evaluated: 2023-11-14. Review status: criteria provided, single submitter. Criteria: ACMG Guidelines, 2015. Collection method: clinical testing. Allele origin: unknown.

Fulgent Genetics
Classification: Uncertain significance for Adult hypophosphatasia; Infantile hypophosphatasia; Childhood hypophosphatasia. Last evaluated: 2021-07-14. Review status: criteria provided, single submitter. Criteria: ACMG Guidelines, 2015. Collection method: clinical testing. Allele origin: unknown.

Illumina Laboratory Services, Illumina
Classification: Uncertain significance for Hypophosphatasia. Last evaluated: 2017-04-27. Review status: criteria provided, single submitter. Criteria: ICSL Variant Classification Criteria 13 December 2019. Collection method: clinical testing. Allele origin: germline.
Comment: This variant was observed as part of a predisposition screen in an ostensibly healthy population. A literature search was performed for the gene, cDNA change, and amino acid change (where applicable). Publications were found based on this search. However, the evidence from the literature, in combination with allele frequency data from public databases where available, was not sufficient to rule this variant in or out of causing disease. Therefore, this variant is classified as a variant of unknown significance.

Literature cited by the submitters: PubMed 10679946 (cited by Variantyx, Inc.); PubMed 10872988 (cited by Variantyx, Inc.); PubMed 11438998 (cited by Variantyx, Inc.); PubMed 12920074 (cited by Variantyx, Inc.); PubMed 25731960 (cited by Variantyx, Inc.); PubMed 26783040 (cited by Variantyx, Inc.); PubMed 32160374 (cited by Variantyx, Inc.); PubMed 11855933 (cited by Variantyx, Inc.); PubMed 23093139 (cited by Variantyx, Inc.); PubMed 29236161 (cited by 4 submitters); PubMed 22397652 (cited by 3 submitters); PubMed 32811521 (cited by Genomenon, Inc); PubMed 19335222 (cited by 4 submitters); PubMed 25023282 (cited by Illumina Laboratory Services, Illumina).

NM_000478.6(ALPL):c.350A>G (p.Tyr117Cys)

Gene: ALPL (alkaline phosphatase, biomineralization associated; plus strand). Cytogenetic location: 1p36.12.
Variant type: single nucleotide variant.
Coding change: c.350A>G on transcript NM_000478.6 (MANE Select); coding-DNA position 350, A replaced by G.
Protein change: p.Tyr117Cys; replaces tyrosine 117 with cysteine.
Molecular consequence: missense variant.
Genome position (GRCh38, 1-based): chr1:21,563,162, A>G. VCF-style: chr1-21563162-A-G. GRCh37 (hg19) VCF-style: chr1-21889655-A-G.
Other names: c.185A>G, p.Tyr62Cys (NM_001127501.4); c.119A>G, p.Tyr40Cys (NM_001177520.3); c.350A>G, p.Tyr117Cys (NM_001369803.2, NM_001369804.2, NM_001369805.2); c.350A>G (NM_000478.5); short protein forms Y117C, Y62C, Y40C.
Identifiers: ClinVar variation 873825 (VCV000873825.14), dbSNP rs1374504617, ClinGen allele CA338877156.